The following is an entry in ClinVar:

NM_000059.4(BRCA2):c.9542T>G (p.Met3181Arg)

Gene: BRCA2 (BRCA2 DNA repair associated; plus strand). Cytogenetic location: 13q13.1.
Variant type: single nucleotide variant.
Coding change: c.9542T>G on transcript NM_000059.4 (MANE Select); coding-DNA position 9542, T replaced by G.
Protein change: p.Met3181Arg; replaces methionine 3181 with arginine.
Molecular consequence: missense variant.
Genome position (GRCh38, 1-based): chr13:32,396,938, T>G. VCF-style: chr13-32396938-T-G. GRCh37 (hg19) VCF-style: chr13-32971075-T-G.
Other names: p.M3181R:ATG>AGG; short protein forms M3181R.
Identifiers: ClinVar variation 52867 (VCV000052867.57), dbSNP rs80359225, ClinGen allele CA026206.
Genomic context (GRCh38, chr13:32,396,938, plus strand): 5'-TTTTCCACTTATTTTCTTAGAATATTGACATACTTTGCAATGAAGCAGAAAACAAGCTTA[T>G]GCATATACTGCATGCAAATGATCCCAAGTGGTCCACCCCAACTAAAGACTGTACTTCAGG-3'
Protein context (NP_000050.3, residues 3171-3191): ILCNEAENKL[Met3181Arg]HILHANDPKW

ClinVar aggregate classification (germline): Conflicting classifications of pathogenicity. Review status: criteria provided, conflicting classifications (1 of 4 stars). 9 submissions from 9 submitters: Uncertain significance (7); Likely benign (1). 1 of the submissions does not count toward it. Last evaluated 2025-08-04.

Conditions:
Hereditary breast ovarian cancer syndrome. Also called: Hereditary breast and ovarian cancer syndrome; Hereditary breast and ovarian cancer; Hereditary breast and ovarian cancer syndrome (HBOC); Breast and ovarian cancer; Hereditary breast and/or ovarian cancer syndrome; BRCA1- and BRCA2-Associated Hereditary Breast and Ovarian Cancer. Identifiers: Orphanet 145, MedGen C0677776, MeSH D061325, MONDO:0003582. Disease mechanism: loss of function.
Hereditary cancer-predisposing syndrome. Also called: Neoplastic Syndromes, Hereditary; Tumor predisposition; Hereditary neoplastic syndrome; Hereditary Cancer Syndrome. Identifiers: Orphanet 140162, MedGen C0027672, MeSH D009386, MONDO:0015356.
Familial cancer of breast. Also called: BREAST CANCER, FAMILIAL; Hereditary breast cancer; hereditary breast carcinoma. Identifiers: Orphanet 227535, MedGen C0346153, MONDO:0016419, OMIM 114480. Disease mechanism: loss of function.
BRCA2-related cancer predisposition. Identifiers: MedGen CN377758, MONDO:0700269.
Breast-ovarian cancer, familial, susceptibility to, 2 (BROVCA2). Also called: BRCA2 Hereditary Breast and Ovarian Cancer. Identifiers: Orphanet 145, MedGen C2675520, MONDO:0012933, OMIM 612555. Disease mechanism: loss of function.

Allele frequency attached by ClinVar (database versions not stated): gnomAD exomes below 0.00001; TOPMed 0.00002.
gnomAD v4.1: 5 of 1,614,114 alleles (0.00031%); highest among the groups gnomAD compares: Non-Finnish European, 0.00042%; no homozygotes.

Submissions (9):

Labcorp Genetics (formerly Invitae), Labcorp
Classification: Uncertain significance for Hereditary breast ovarian cancer syndrome. Last evaluated: 2025-08-04. Review status: criteria provided, single submitter. Criteria: Invitae Variant Classification Sherloc (09022015). Collection method: clinical testing. Allele origin: germline.
Comment: This sequence change replaces methionine, which is neutral and non-polar, with arginine, which is basic and polar, at codon 3181 of the BRCA2 protein (p.Met3181Arg). This variant is not present in population databases (gnomAD no frequency). This missense change has been observed in individual(s) with ovarian cancer (PMID: 30040829). ClinVar contains an entry for this variant (Variation ID: 52867). Invitae Evidence Modeling of protein sequence and biophysical properties (such as structural, functional, and spatial information, amino acid conservation, physicochemical variation, residue mobility, and thermodynamic stability) indicates that this missense variant is not expected to disrupt BRCA2 protein function with a negative predictive value of 95%. In summary, the available evidence is currently insufficient to determine the role of this variant in disease. Therefore, it has been classified as a Variant of Uncertain Significance.

Quest Diagnostics Nichols Institute San Juan Capistrano
Classification: Uncertain significance. Last evaluated: 2025-07-29. Review status: criteria provided, single submitter. Criteria: Quest Diagnostics criteria. Collection method: clinical testing. Allele origin: unknown.
Comment: The BRCA2 c.9542T>G (p.Met3181Arg) variant has been reported in the published literature in individuals with breast and/or ovarian cancer (PMID: 30040829 (2018), 33471991 (2021), see also LOVD), and a reportedly unaffected individual (PMID: 33471991 (2021), see also LOVD). A functional study demonstrated that this variant had an inconclusive effect on protein function, with a benign effect in saturation genome editing assays measuring DNA repair-dependent cell survival (PMID: 39779848 (2025)). This variant has not been reported in large, multi-ethnic general populations (Genome Aggregation Database). Analysis of this variant using bioinformatics tools for the prediction of the effect of amino acid changes on protein structure and function yielded predictions that this variant is benign. Based on the available information, we are unable to determine the clinical significance of this variant.

Ambry Genetics
Classification: Likely benign for Hereditary cancer-predisposing syndrome. Last evaluated: 2025-05-01. Review status: criteria provided, single submitter. Criteria: Ambry Variant Classification Scheme 2023. Collection method: clinical testing. Allele origin: germline.

Color Diagnostics, LLC DBA Color Health
Classification: Uncertain significance for Hereditary cancer-predisposing syndrome. Last evaluated: 2025-03-17. Review status: criteria provided, single submitter. Criteria: ACMG Guidelines, 2015. Collection method: clinical testing. Allele origin: germline.
Comment: This missense variant replaces methionine with arginine at codon 3181 of the BRCA2 protein. Computational prediction is inconclusive regarding the impact of this variant on protein structure and function. To our knowledge, functional studies have not been reported for this variant. This variant has been reported in an individual affected with ovarian cancer (PMID: 30040829). This variant has been detected in a breast cancer case-control meta-analysis in 1/60466 cases and 1/53461 unaffected individuals (PMID: 33471991; Leiden Open Variation Database DB-ID BRCA2_000468). Multifactorial analyses have reported likelihood ratios (LR) reaching a combined LR = 1.10 for co-occurrence with a pathogenic variant and personal and family history for one carrier (PMID: 31131967, 31853058). This variant has not been identified in the general population by the Genome Aggregation Database (gnomAD). The available evidence is insufficient to determine the role of this variant in disease conclusively. Therefore, this variant is classified as a Variant of Uncertain Significance.

All of Us Research Program, National Institutes of Health
Classification: Uncertain significance for BRCA2-related cancer predisposition. Last evaluated: 2024-05-30. Review status: criteria provided, single submitter. Criteria: ACMG Guidelines, 2015. Collection method: clinical testing. Allele origin: germline. Inheritance: Autosomal dominant inheritance. Observed: 4 variant alleles, 4 heterozygotes.
Comment: This missense variant replaces methionine with arginine at codon 3181 of the BRCA2 protein. Computational prediction is inconclusive regarding the impact of this variant on protein structure and function (internally defined REVEL score threshold 0.5 < inconclusive < 0.7, PMID: 27666373). To our knowledge, functional studies have not been reported for this variant. This variant has been reported in an individual affected with ovarian cancer (PMID: 30040829). In a large breast cancer case-control study conducted by the BRIDGES consortium, this variant was reported in 1/60466 cases and 1/53461 unaffected controls (PMID: 33471991; Leiden Open Variation Database DB-ID BRCA2_000468). This variant has been reported in a multifactorial analysis with co-occurrence and family history likelihood ratios for pathogenicity of 1.025 and 3.230, respectively (PMID: 31131967). This variant has not been identified in the general population by the Genome Aggregation Database (gnomAD). The available evidence is insufficient to determine the role of this variant in disease conclusively. Therefore, this variant is classified as a Variant of Uncertain Significance.

This study involves interpretation of variants in research participants for the purpose of population health screening. Participant phenotype was not available at the time of variant classification. Additional details can be found in publication PMID: 35346344, PMCID: PMC8962531

Baylor Genetics
Classification: Uncertain significance for Familial cancer of breast. Last evaluated: 2023-10-14. Review status: criteria provided, single submitter. Criteria: ACMG Guidelines, 2015. Collection method: clinical testing. Allele origin: unknown.

GeneDx
Classification: Uncertain significance. Last evaluated: 2022-07-07. Review status: criteria provided, single submitter. Criteria: GeneDx Variant Classification Process June 2021. Collection method: clinical testing. Allele origin: germline. Affected: yes.
Comment: Not observed in large population cohorts (gnomAD); In silico analysis, which includes protein predictors and evolutionary conservation, supports that this variant does not alter protein structure/function; Has not been previously published as pathogenic or benign to our knowledge; Also known as 9770T>G; This variant is associated with the following publications: (PMID: 12228710, 19043619)

Women's Health and Genetics/Laboratory Corporation of America, LabCorp
Classification: Uncertain significance. Last evaluated: 2019-01-15. Review status: criteria provided, single submitter. Criteria: LabCorp Variant Classification Summary - May 2015. Collection method: clinical testing. Allele origin: germline.
Comment: Variant summary: BRCA2 c.9542T>G (p.Met3181Arg) results in a non-conservative amino acid change located in the BRCA2, OB3 domain of the encoded protein sequence. Four of five in-silico tools predict a benign effect of the variant on protein function. The variant was absent in 246166 control chromosomes (gnomAD). The available data on variant occurrences in the general population are insufficient to allow any conclusion about variant significance. c.9542T>G has been reported in the literature in an individual affected with Ovarian Cancer (Kowalik_2018). This report does not provide unequivocal conclusions about association of the variant with Hereditary Breast and Ovarian Cancer. To our knowledge, no experimental evidence demonstrating an impact on protein function has been reported. Three ClinVar submissions from clinical diagnostic laboratories (evaluation after 2014) cite the variant as uncertain significance. Based on the evidence outlined above, the variant was classified as uncertain significance.

Breast Cancer Information Core (BIC) (BRCA2)
Classification: Uncertain significance for Breast-ovarian cancer, familial 2. Last evaluated: 2002-05-29. Review status: no assertion criteria provided. Collection method: clinical testing. Allele origin: germline. Affected: yes. Observed: 1 variant allele. Not counted in ClinVar's aggregate classification.

Literature cited by the submitters: PubMed 30040829 (cited by 5 submitters); PubMed 19043619 (cited by 3 submitters); PubMed 33471991 (cited by 3 submitters); PubMed 31131967 (cited by 3 submitters); PubMed 39779848 (cited by Quest Diagnostics Nichols Institute San Juan Capistrano and Ambry Genetics); PubMed 31853058 (cited by Color Diagnostics, LLC DBA Color Health).